The following is an entry in ClinVar:

ClinVar aggregate classification (germline): Benign/Likely benign. Review status: criteria provided, multiple submitters, no conflicts (2 of 4 stars). 2 submissions from 2 submitters: Benign (1); Likely benign (1). Last evaluated 2026-07-01.

Conditions:
Dextro-looped transposition of the great arteries. Also called: Dextrotransposition of the great arteries. Identifiers: Orphanet 860, MedGen C3531771, MONDO:0019443, OMIM 608808, HP:0031348.

Allele frequency attached by ClinVar (database versions not stated): TOPMed 0.00003; gnomAD 0.00004; gnomAD exomes 0.00011; ExAC 0.00024; 1000 Genomes Project 30x 0.00031; 1000 Genomes Project 0.00040.
gnomAD v4.1: 160 of 1,614,018 alleles (0.0099%); highest among the groups gnomAD compares: South Asian, 0.17%; 3 homozygotes.

Submissions (2):

CeGaT Center for Human Genetics Tuebingen
Classification: Likely benign. Last evaluated: 2026-07-01. Review status: criteria provided, single submitter. Criteria: CeGaT Center For Human Genetics Tuebingen Variant Classification Criteria Version 2. Collection method: clinical testing. Allele origin: germline. Affected: yes. Observed: 1 variant allele.
Comment: MED13L: BP4, BS1

Labcorp Genetics (formerly Invitae), Labcorp
Classification: Benign for Dextro-looped transposition of the great arteries. Last evaluated: 2024-07-09. Review status: criteria provided, single submitter. Criteria: Invitae Variant Classification Sherloc (09022015). Collection method: clinical testing. Allele origin: germline.

NM_015335.5(MED13L):c.2868G>A (p.Leu956=)

Gene: MED13L (mediator complex subunit 13L; minus strand). Cytogenetic location: 12q24.21.
Variant type: single nucleotide variant.
Coding change: c.2868G>A on transcript NM_015335.5 (MANE Select); coding-DNA position 2868, G replaced by A.
Protein change: p.Leu956=; no amino-acid change (leucine 956 retained).
Molecular consequence: synonymous variant.
Genome position (GRCh38, 1-based): chr12:115,996,604, C>T on the plus strand (G>A on the coding strand, the complement: MED13L is on the minus strand). VCF-style: chr12-115996604-C-T. GRCh37 (hg19) VCF-style: chr12-116434409-C-T.
Identifiers: ClinVar variation 1919008 (VCV001919008.6), dbSNP rs570146432, ClinGen allele CA6811085.
Genomic context (GRCh38, chr12:115,996,604, plus strand): 5'-CCATGAAGGCCGAAACAGACAGGCATCAGGTATCTTCAGAGGTAGCAAACAATGGCTCGG[C>T]AACATCTTCAGTGGAGCAAACATGGAGGATCCCACAAAAGGTTGAAAGGATGGAACTTTG-3'
Protein context (NP_056150.1, residues 946-966): GSSMFAPLKM[Leu956=]PSHCLLPLKI